The following is an entry in ClinVar:

ClinVar aggregate classification (germline): Uncertain significance (1 of 4 stars; one submission).

Conditions:
Hereditary cancer-predisposing syndrome. Also called: Tumor predisposition; Hereditary neoplastic syndrome; Hereditary Cancer Syndrome; Neoplastic Syndromes, Hereditary. Identifiers: Orphanet 140162, MedGen C0027672, MeSH D009386, MONDO:0015356.

Submission:

Ambry Genetics
Classification: Uncertain significance for Hereditary cancer-predisposing syndrome. Last evaluated: 2024-01-09. Review status: criteria provided, single submitter. Criteria: Ambry Variant Classification Scheme 2023. Collection method: clinical testing. Allele origin: germline.
Comment: The c.795+3A>C intronic variant results from an A to C substitution 3 nucleotides after coding exon 6 in the SMARCB1 gene. This nucleotide position is not well conserved in available vertebrate species. In silico splice site analysis predicts that this alteration may result in the creation or strengthening of a novel splice donor site. Since supporting evidence is limited at this time, the clinical significance of this alteration remains unclear.

NM_003073.5(SMARCB1):c.795+3A>C

Gene: SMARCB1 (SWI/SNF related BAF chromatin remodeling complex subunit B1; plus strand). Cytogenetic location: 22q11.23.
Variant type: single nucleotide variant.
Coding change: c.795+3A>C on transcript NM_003073.5 (MANE Select); 3 bases into the intron after coding-DNA position 795, A replaced by C.
Molecular consequence: intron variant.
Genome position (GRCh38, 1-based): chr22:23,816,939, A>C. VCF-style: chr22-23816939-A-C. GRCh37 (hg19) VCF-style: chr22-24159126-A-C.
Other names: c.849+3A>C (NM_001362877.2); c.822+3A>C (NM_001317946.2); c.768+3A>C (NM_001007468.3).
Identifiers: ClinVar variation 3223088 (VCV003223088.1), dbSNP rs768344215, ClinGen allele CA2825002863.